The following is an entry in ClinVar:

NM_183075.3(CYP2U1):c.946G>C (p.Asp316His)

Gene: CYP2U1 (cytochrome P450 family 2 subfamily U member 1; plus strand). Cytogenetic location: 4q25.
Variant type: single nucleotide variant.
Coding change: c.946G>C on transcript NM_183075.3 (MANE Select); coding-DNA position 946, G replaced by C.
Protein change: p.Asp316His; replaces aspartic acid 316 with histidine.
Molecular consequence: missense variant.
Genome position (GRCh38, 1-based): chr4:107,945,425, G>C. VCF-style: chr4-107945425-G-C. GRCh37 (hg19) VCF-style: chr4-108866581-G-C.
Other names: short protein forms D316H.
Identifiers: ClinVar variation 1485673 (VCV001485673.6), dbSNP rs766970458, ClinGen allele CA357837580.

ClinVar aggregate classification (germline): Likely pathogenic (1 of 4 stars; one submission).

Conditions:
Spastic paraplegia. Identifiers: MedGen C0037772, HP:0001258.

Submission:

Labcorp Genetics (formerly Invitae), Labcorp
Classification: Likely pathogenic for Spastic paraplegia. Last evaluated: 2021-09-18. Review status: criteria provided, single submitter. Criteria: Invitae Variant Classification Sherloc (09022015). Collection method: clinical testing. Allele origin: germline.
Comment: This sequence change replaces aspartic acid with histidine at codon 316 of the CYP2U1 protein (p.Asp316His). The aspartic acid residue is highly conserved and there is a moderate physicochemical difference between aspartic acid and histidine. In summary, the currently available evidence indicates that the variant is pathogenic, but additional data are needed to prove that conclusively. Therefore, this variant has been classified as Likely Pathogenic. This variant disrupts the p.Asp316 amino acid residue in CYP2U1. Other variant(s) that disrupt this residue have been determined to be pathogenic (PMID: 23176821, 29034544). This suggests that this residue is clinically significant, and that variants that disrupt this residue are likely to be disease-causing. Advanced modeling of protein sequence and biophysical properties (such as structural, functional, and spatial information, amino acid conservation, physicochemical variation, residue mobility, and thermodynamic stability) performed at Invitae indicates that this missense variant is expected to disrupt CYP2U1 protein function. This variant has not been reported in the literature in individuals affected with CYP2U1-related conditions. This variant is not present in population databases (ExAC no frequency).

Literature cited by the submitters: PubMed 23176821; PubMed 29034544.